The following is an entry in ClinVar:

ClinVar aggregate classification (germline): Uncertain significance (1 of 4 stars; one submission).

Submission:

Labcorp Genetics (formerly Invitae), Labcorp
Classification: Uncertain significance. Last evaluated: 2022-09-20. Review status: criteria provided, single submitter. Criteria: Invitae Variant Classification Sherloc (09022015). Collection method: clinical testing. Allele origin: germline.
Comment: This variant has not been reported in the literature in individuals affected with IL6ST-related conditions. This sequence change replaces glycine, which is neutral and non-polar, with tryptophan, which is neutral and slightly polar, at codon 139 of the IL6ST protein (p.Gly139Trp). This variant is not present in population databases (gnomAD no frequency). Algorithms developed to predict the effect of missense changes on protein structure and function are either unavailable or do not agree on the potential impact of this missense change (SIFT: "Tolerated"; PolyPhen-2: "Possibly Damaging"; Align-GVGD: "Class C0"). Algorithms developed to predict the effect of sequence changes on RNA splicing suggest that this variant may create or strengthen a splice site. In summary, the available evidence is currently insufficient to determine the role of this variant in disease. Therefore, it has been classified as a Variant of Uncertain Significance.

NM_002184.4(IL6ST):c.415G>T (p.Gly139Trp)

Gene: IL6ST (interleukin 6 cytokine family signal transducer; minus strand). Cytogenetic location: 5q11.2.
Variant type: single nucleotide variant.
Coding change: c.415G>T on transcript NM_002184.4 (MANE Select); coding-DNA position 415, G replaced by T.
Protein change: p.Gly139Trp; replaces glycine 139 with tryptophan.
Molecular consequence: missense variant. On other transcripts: non-coding transcript variant (2), intron variant (3).
Genome position (GRCh38, 1-based): chr5:55,968,352, C>A on the plus strand (G>T on the coding strand, the complement: IL6ST is on the minus strand). VCF-style: chr5-55968352-C-A. GRCh37 (hg19) VCF-style: chr5-55264180-C-A.
Other names: c.415G>T, p.Gly139Trp (NM_001190981.2, NM_001364275.2, NM_175767.3); c.205G>T, p.Gly69Trp (NM_001364276.2); c.-423+1198G>T (NM_001364279.2, NM_001364277.2); c.-413+1198G>T (NM_001364278.2); short protein forms G139W, G69W.
Identifiers: ClinVar variation 1719899 (VCV001719899.5), dbSNP rs2533565163, ClinGen allele CA359768716.
Genomic context (GRCh38, chr5:55,968,352, plus strand): 5'-TGAAGTTTGTCTCCAAGTGTGTTTCCCTTCCACCATCCCACTCACACCTCATTTTCTTCC[C>A]CTCGTTCACAATGCAACTCAAATTTTTAGGTTTTTCTGGAGGCACTAAAAGGGATTAATT-3'
Protein context (NP_002175.2, residues 129-149): PKNLSCIVNE[Gly139Trp]KKMRCEWDGG